The following is an entry in ClinVar:

ClinVar aggregate classification (germline): Pathogenic. Review status: criteria provided, multiple submitters, no conflicts (2 of 4 stars). 2 submissions from 2 submitters: Pathogenic (2). Last evaluated 2025-03-15.

Conditions:
Neurofibromatosis, type 1 (NF1). Also called: Peripheral type neurofibromatosis; Neurofibromatosis, type I; VON RECKLINGHAUSEN DISEASE; NEUROFIBROMATOSIS, TYPE I, SOMATIC. Identifiers: Orphanet 636, MedGen C0027831, MONDO:0018975, OMIM 162200. Disease mechanism: loss of function.

Submissions (2):

Labcorp Genetics (formerly Invitae), Labcorp
Classification: Pathogenic for Neurofibromatosis, type 1. Last evaluated: 2025-03-15. Review status: criteria provided, single submitter. Criteria: Invitae Variant Classification Sherloc (09022015). Collection method: clinical testing. Allele origin: germline.
Comment: This sequence change creates a premature translational stop signal (p.Pro1232Leufs*8) in the NF1 gene. It is expected to result in an absent or disrupted protein product. Loss-of-function variants in NF1 are known to be pathogenic (PMID: 10712197, 23913538). This variant is not present in population databases (gnomAD no frequency). This variant has not been reported in the literature in individuals affected with NF1-related conditions. ClinVar contains an entry for this variant (Variation ID: 2505895). For these reasons, this variant has been classified as Pathogenic.

GeneDx
Classification: Pathogenic. Last evaluated: 2023-06-13. Review status: criteria provided, single submitter. Criteria: GeneDx Variant Classification Process June 2021. Collection method: clinical testing. Allele origin: germline. Affected: yes.
Comment: Frameshift variant predicted to result in protein truncation or nonsense mediated decay in a gene for which loss-of-function is a known mechanism of disease; Not observed at significant frequency in large population cohorts (gnomAD); Has not been previously published as pathogenic or benign to our knowledge

Literature cited by the submitters: PubMed 10712197 (cited by Labcorp Genetics (formerly Invitae), Labcorp); PubMed 23913538 (cited by Labcorp Genetics (formerly Invitae), Labcorp).

NM_001042492.3(NF1):c.3693del (p.Pro1232fs)

Gene: NF1 (neurofibromin 1; plus strand). Cytogenetic location: 17q11.2.
Variant type: Deletion.
Coding change: c.3693del on transcript NM_001042492.3 (MANE Select); coding-DNA position 3693, one base deleted (T; older notation c.3693delT).
Protein change: p.Pro1232fs; shifts the reading frame from proline 1232.
Molecular consequence: frameshift variant.
Genome position (GRCh38, 1-based): chr17:31,233,198, T deleted; the last of 2 consecutive T bases (chr17:31,233,197-31,233,198); deleting either gives the same sequence. VCF-style (leftmost placement, unchanged base first): chr17-31233196-GT-G. GRCh37 (hg19) VCF-style: chr17-29560214-GT-G.
Other names: c.3693delT, p.Pro1232Leufs (NM_000267.4); short protein forms P1232fs.
Identifiers: ClinVar variation 2505895 (VCV002505895.2), dbSNP rs2508241138, ClinGen allele CA2580614087.